The following is an entry in ClinVar:

ClinVar aggregate classification (germline): Conflicting classifications of pathogenicity. Review status: criteria provided, conflicting classifications (1 of 4 stars). 4 submissions from 3 submitters: Uncertain significance (2); Likely benign (1). 1 of the submissions does not count toward it. Last evaluated 2024-02-20.

Conditions:
Atrichia with papular lesions (APL). Also called: PAPULAR ATRICHIA. Identifiers: Orphanet 86819, MedGen C1859592, MONDO:0008847, OMIM 209500.
Alopecia universalis congenita (ALUNC). Also called: ATRICHIA, GENERALIZED. Identifiers: Orphanet 701, MedGen C1859877, MONDO:0008757, OMIM 203655.
HR-related disorder. Also called: HR-related condition; HR-related disorders. Identifiers: MedGen CN239293.

Allele frequency attached by ClinVar (database versions not stated): 1000 Genomes Project 30x 0.00016; 1000 Genomes Project 0.00020; gnomAD 0.00029; gnomAD exomes 0.00030 and 0.00062; ExAC 0.00036; TOPMed 0.00040; ESP Exome Variant Server 0.00054.
gnomAD v4.1: 953 of 1,613,890 alleles (0.059%); highest among the groups gnomAD compares: Non-Finnish European, 0.072%; 1 homozygote.

Submissions (4):

Labcorp Genetics (formerly Invitae), Labcorp
Classification: Likely benign. Last evaluated: 2024-02-20. Review status: criteria provided, single submitter. Criteria: Invitae Variant Classification Sherloc (09022015). Collection method: clinical testing. Allele origin: germline.

Illumina Laboratory Services, Illumina
Classification: Uncertain significance for Atrichia with papular lesions. Last evaluated: 2018-01-13. Review status: criteria provided, single submitter. Criteria: ICSL Variant Classification Criteria 13 December 2019. Collection method: clinical testing. Allele origin: germline.

Illumina Laboratory Services, Illumina
Classification: Uncertain significance for Alopecia universalis congenita. Last evaluated: 2018-01-13. Review status: criteria provided, single submitter. Criteria: ICSL Variant Classification Criteria 13 December 2019. Collection method: clinical testing. Allele origin: germline.

PreventionGenetics, part of Exact Sciences
Classification: Likely benign for HR-related condition. Last evaluated: 2019-08-20. Review status: no assertion criteria provided. Collection method: clinical testing. Allele origin: germline. Not counted in ClinVar's aggregate classification.
Comment: This variant is classified as likely benign based on ACMG/AMP sequence variant interpretation guidelines (Richards et al. 2015 PMID: 25741868, with internal and published modifications).

NM_005144.5(HR):c.1458A>G (p.Pro486=)

Gene: HR (HR lysine demethylase and nuclear receptor corepressor; minus strand). Cytogenetic location: 8p21.3.
Variant type: single nucleotide variant.
Coding change: c.1458A>G on transcript NM_005144.5 (MANE Select); coding-DNA position 1458, A replaced by G.
Protein change: p.Pro486=; no amino-acid change (proline 486 retained).
Molecular consequence: synonymous variant.
Genome position (GRCh38, 1-based): chr8:22,125,680, T>C on the plus strand (A>G on the coding strand, the complement: HR is on the minus strand). VCF-style: chr8-22125680-T-C. GRCh37 (hg19) VCF-style: chr8-21983193-T-C.
Other names: c.1458A>G, p.Pro486= (NM_018411.4).
Identifiers: ClinVar variation 362518 (VCV000362518.10), dbSNP rs144643140, ClinGen allele CA4662453.